The following is an entry in ClinVar:

ClinVar aggregate classification (germline): Uncertain significance (1 of 4 stars; one submission).

Conditions:
Baller-Gerold syndrome (BGS). Also called: CRANIOSYNOSTOSIS WITH RADIAL DEFECTS. Identifiers: Orphanet 1225, MedGen C0265308, MONDO:0009039, OMIM 218600.

Allele frequency attached by ClinVar (database versions not stated): gnomAD exomes below 0.00001.
gnomAD v4.1: 5 of 1,611,940 alleles (0.00031%); highest among the groups gnomAD compares: Non-Finnish European, 0.00042%; no homozygotes.

Submission:

Labcorp Genetics (formerly Invitae), Labcorp
Classification: Uncertain significance for Baller-Gerold syndrome. Last evaluated: 2020-05-29. Review status: criteria provided, single submitter. Criteria: Invitae Variant Classification Sherloc (09022015). Collection method: clinical testing. Allele origin: germline.
Comment: This sequence change falls in intron 20 of the RECQL4 gene. It does not directly change the encoded amino acid sequence of the RECQL4 protein, but it affects a nucleotide within the consensus splice site of the intron. This variant is not present in population databases (ExAC no frequency). This variant has not been reported in the literature in individuals with RECQL4-related conditions. ClinVar contains an entry for this variant (Variation ID: 646325). Nucleotide substitutions within the consensus splice site are a relatively common cause of aberrant splicing (PMID: 17576681, 9536098). Algorithms developed to predict the effect of sequence changes on RNA splicing suggest that this variant may disrupt the consensus splice site, but this prediction has not been confirmed by published transcriptional studies. In summary, the available evidence is currently insufficient to determine the role of this variant in disease. Therefore, it has been classified as a Variant of Uncertain Significance.

Literature cited by the submitters: PubMed 17576681; PubMed 9536098.

NM_004260.4(RECQL4):c.3502+4A>G

Gene: RECQL4 (RecQ like helicase 4; minus strand). Cytogenetic location: 8q24.3.
Variant type: single nucleotide variant.
Coding change: c.3502+4A>G on transcript NM_004260.4 (MANE Select); 4 bases into the intron after coding-DNA position 3502, A replaced by G.
Molecular consequence: intron variant.
Genome position (GRCh38, 1-based): chr8:144,511,677, T>C on the plus strand (A>G on the coding strand, the complement: RECQL4 is on the minus strand). VCF-style: chr8-144511677-T-C. GRCh37 (hg19) VCF-style: chr8-145737060-T-C.
Identifiers: ClinVar variation 646325 (VCV000646325.5), dbSNP rs1586788693, ClinGen allele CA915947389.
Genomic context (GRCh38, chr8:144,511,677, plus strand): 5'-CCAGGCCTCACCTGCCCCAGCCCCCAGCCCCAGCCTGCAGCGGGTGGGGCCTCCCAGGCC[T>C]CACCGATGCCGTGGAAGATGCGGGCCACAGCCCTGCTGGAGAACTTCTCCTCTGGCCTCA-3'